The following is an entry in ClinVar:

NM_016938.5(EFEMP2):c.403C>T (p.Arg135Cys)

Gene: EFEMP2 (EGF-like fibulin extracellular matrix protein 2; minus strand). Cytogenetic location: 11q13.1.
Variant type: single nucleotide variant.
Coding change: c.403C>T on transcript NM_016938.5 (MANE Select); coding-DNA position 403, C replaced by T.
Protein change: p.Arg135Cys; replaces arginine 135 with cysteine.
Molecular consequence: missense variant. On other transcripts: non-coding transcript variant (1).
Genome position (GRCh38, 1-based): chr11:65,870,623, G>A on the plus strand (C>T on the coding strand, the complement: EFEMP2 is on the minus strand). VCF-style: chr11-65870623-G-A. GRCh37 (hg19) VCF-style: chr11-65638094-G-A.
Other names: short protein forms R135C.
Identifiers: ClinVar variation 5035728 (VCV005035728.1).
Genomic context (GRCh38, chr11:65,870,623, plus strand): 5'-AACCATCAGGGCAGGTGCACTGATAGGAGCCAGGCAAGTTATGGCAGTCCTGGCTGGGGC[G>A]ACAGTCGTGCAGGGCCTGGGCACACTCGTCCACATCTGCGAGAGACACCACTCAGCCCCT-3'
Protein context (NP_058634.4, residues 125-145): DECAQALHDC[Arg135Cys]PSQDCHNLPG

ClinVar aggregate classification (germline): Uncertain significance (1 of 4 stars; one submission).

Conditions:
Cardiovascular phenotype. Identifiers: MedGen CN230736.

gnomAD v4.1: 7 of 1,614,068 alleles (0.00043%); highest among the groups gnomAD compares: Middle Eastern, 0.016%; no homozygotes.

Submission:

Ambry Genetics
Classification: Uncertain significance for Cardiovascular phenotype. Last evaluated: 2026-09-09. Review status: criteria provided, single submitter. Criteria: Ambry Variant Classification Scheme 2023. Collection method: clinical testing. Allele origin: germline.
Comment: The p.R135C variant (also known as c.403C>T), located in coding exon 4 of the EFEMP2 gene, results from a C to T substitution at nucleotide position 403. The arginine at codon 135 is replaced by cysteine, an amino acid with highly dissimilar properties. This amino acid position is not well conserved in available vertebrate species. In addition, the in silico prediction for this alteration is inconclusive. Based on the available evidence, the clinical significance of this variant remains unclear.